The following is an entry in ClinVar:

ClinVar aggregate classification (germline): Uncertain significance. Review status: criteria provided, multiple submitters, no conflicts (2 of 4 stars). 3 submissions from 3 submitters: Uncertain significance (3). Last evaluated 2026-01-05.

Conditions:
LRSAM1-related disorder. Also called: LRSAM1-related condition.
Charcot-Marie-Tooth disease axonal type 2P. Also called: Charcot-Marie-Tooth Neuropathy Type 2G; CHARCOT-MARIE-TOOTH NEUROPATHY, TYPE 2P; CHARCOT-MARIE-TOOTH DISEASE, AXONAL, TYPE 2G; CMT 2G. Identifiers: Orphanet 300319, Orphanet 99941, MedGen C3280797, MONDO:0013753, OMIM 614436.
Inborn genetic diseases. Identifiers: MedGen C0950123, MeSH D030342.

Allele frequency attached by ClinVar (database versions not stated): gnomAD exomes 0.00001; TOPMed 0.00002; ExAC 0.00001; gnomAD 0.00001.

Submissions (3):

PreventionGenetics, part of Exact Sciences
Classification: Uncertain significance for LRSAM1-related condition. Last evaluated: 2026-01-05. Review status: criteria provided, single submitter. Criteria: ACMG Guidelines, 2015. Collection method: clinical testing. Allele origin: germline.
Comment: The LRSAM1 c.1060G>A variant is predicted to result in the amino acid substitution p.Glu354Lys. To our knowledge, this variant has not been reported in the literature. This variant is reported in 0.0081% of alleles in individuals of African descent in gnomAD. At this time, the clinical significance of this variant is uncertain due to the absence of conclusive functional and genetic evidence.

Labcorp Genetics (formerly Invitae), Labcorp
Classification: Uncertain significance for Charcot-Marie-Tooth disease axonal type 2P. Last evaluated: 2025-06-11. Review status: criteria provided, single submitter. Criteria: Invitae Variant Classification Sherloc (09022015). Collection method: clinical testing. Allele origin: germline.
Comment: This sequence change replaces glutamic acid, which is acidic and polar, with lysine, which is basic and polar, at codon 354 of the LRSAM1 protein (p.Glu354Lys). This variant is present in population databases (rs773122117, gnomAD 0.008%). This variant has not been reported in the literature in individuals affected with LRSAM1-related conditions. ClinVar contains an entry for this variant (Variation ID: 656549). Invitae Evidence Modeling of protein sequence and biophysical properties (such as structural, functional, and spatial information, amino acid conservation, physicochemical variation, residue mobility, and thermodynamic stability) indicates that this missense variant is not expected to disrupt LRSAM1 protein function with a negative predictive value of 80%. In summary, the available evidence is currently insufficient to determine the role of this variant in disease. Therefore, it has been classified as a Variant of Uncertain Significance.

Ambry Genetics
Classification: Uncertain significance for Inborn genetic diseases. Last evaluated: 2021-08-23. Review status: criteria provided, single submitter. Criteria: Ambry Variant Classification Scheme 2023. Collection method: clinical testing. Allele origin: germline.
Comment: The p.E354K variant (also known as c.1060G>A), located in coding exon 13 of the LRSAM1 gene, results from a G to A substitution at nucleotide position 1060. The glutamic acid at codon 354 is replaced by lysine, an amino acid with similar properties. This amino acid position is conserved. In addition, the in silico prediction for this alteration is inconclusive. Since supporting evidence is limited at this time, the clinical significance of this alteration remains unclear.

NM_001005373.4(LRSAM1):c.1060G>A (p.Glu354Lys)

Gene: LRSAM1 (leucine rich repeat and sterile alpha motif containing 1; plus strand). Cytogenetic location: 9q33.3.
Variant type: single nucleotide variant.
Coding change: c.1060G>A on transcript NM_001005373.4 (MANE Select); coding-DNA position 1060, G replaced by A.
Protein change: p.Glu354Lys; replaces glutamic acid 354 with lysine.
Molecular consequence: missense variant. On other transcripts: non-coding transcript variant (2).
Genome position (GRCh38, 1-based): chr9:127,481,199, G>A. VCF-style: chr9-127481199-G-A. GRCh37 (hg19) VCF-style: chr9-130243478-G-A.
Other names: c.1060G>A (NM_138361.4); c.1060G>A, p.Glu354Lys (NM_001005374.4, NM_001190723.3, NM_001384142.1 and 2 more transcripts); c.271G>A, p.Glu91Lys (NM_001384144.1); short protein forms E354K, E91K.
Identifiers: ClinVar variation 656549 (VCV000656549.11), dbSNP rs773122117, ClinGen allele CA5246819.